The following is an entry in ClinVar:

ClinVar aggregate classification (germline): Uncertain significance. Review status: criteria provided, multiple submitters, no conflicts (2 of 4 stars). 2 submissions from 2 submitters: Uncertain significance (2). Last evaluated 2024-06-10.

Conditions:
Autosomal recessive ataxia, Beauce type. Also called: SYNE1 Deficiency; Spinocerebellar ataxia, autosomal recessive 8; SYNE1-Related Autosomal Recessive Cerebellar Ataxia; ATAXIA, RECESSIVE, OF BEAUCE. Identifiers: Orphanet 88644, MedGen C1853116, MONDO:0012549, OMIM 610743.
Emery-Dreifuss muscular dystrophy 4, autosomal dominant (EDMD4). Also called: EMERY-DREIFUSS MUSCULAR DYSTROPHY 4 WITH VARIABLE FEATURES. Identifiers: Orphanet 261, MedGen C2751807, MONDO:0013071, OMIM 612998.

gnomAD v4.1: 6 of 1,614,050 alleles (0.00037%); highest among the groups gnomAD compares: Non-Finnish European, 0.00051%; no homozygotes.

Submissions (2):

Labcorp Genetics (formerly Invitae), Labcorp
Classification: Uncertain significance for Emery-Dreifuss muscular dystrophy 4, autosomal dominant; Autosomal recessive ataxia, Beauce type. Last evaluated: 2024-06-10. Review status: criteria provided, single submitter. Criteria: Invitae Variant Classification Sherloc (09022015). Collection method: clinical testing. Allele origin: germline.
Comment: This sequence change replaces histidine, which is basic and polar, with asparagine, which is neutral and polar, at codon 3778 of the SYNE1 protein (p.His3778Asn). The frequency data for this variant in the population databases is considered unreliable, as metrics indicate poor data quality at this position in the gnomAD database. This variant has not been reported in the literature in individuals affected with SYNE1-related conditions. An algorithm developed to predict the effect of missense changes on protein structure and function (PolyPhen-2) suggests that this variant is likely to be tolerated. In summary, the available evidence is currently insufficient to determine the role of this variant in disease. Therefore, it has been classified as a Variant of Uncertain Significance.

Blueprint Genetics
Classification: Uncertain significance. Last evaluated: 2022-11-24. Review status: criteria provided, single submitter. Criteria: ACMG Guidelines, 2015. Collection method: clinical testing. Allele origin: germline.

NM_182961.4(SYNE1):c.11377C>A (p.His3793Asn)

Gene: SYNE1 (spectrin repeat containing nuclear envelope protein 1; minus strand). Cytogenetic location: 6q25.2.
Variant type: single nucleotide variant.
Coding change: c.11377C>A on transcript NM_182961.4 (MANE Select); coding-DNA position 11377, C replaced by A.
Protein change: p.His3793Asn; replaces histidine 3793 with asparagine.
Molecular consequence: missense variant.
Genome position (GRCh38, 1-based): chr6:152,352,230, G>T on the plus strand (C>A on the coding strand, the complement: SYNE1 is on the minus strand). VCF-style: chr6-152352230-G-T. GRCh37 (hg19) VCF-style: chr6-152673365-G-T.
Other names: c.11332C>A, p.His3778Asn (NM_033071.5); short protein forms H3778N, H3793N.
Identifiers: ClinVar variation 3748837 (VCV003748837.3).